The following is an entry in ClinVar:

ClinVar aggregate classification (germline): Conflicting classifications of pathogenicity. Review status: criteria provided, conflicting classifications (1 of 4 stars). 3 submissions from 3 submitters: Uncertain significance (1); Likely benign (1). 1 of the submissions does not count toward it. Last evaluated 2026-01-14.

Conditions:
RPGRIP1L-related disorder. Also called: RPGRIP1L-related condition; RPGRIP1L-related disorders. Identifiers: MedGen CN239416.
Joubert syndrome. Also called: JOUBERT-BOLTSHAUSER SYNDROME; Familial aplasia of the vermis. Identifiers: Orphanet 475, MedGen C5979921, MONDO:0018772.
Meckel-Gruber syndrome. Also called: Dysencephalia splachnocystica; DYSENCEPHALIA SPLANCHNOCYSTICA; GRUBER SYNDROME. Identifiers: Orphanet 564, MedGen C0265215, MONDO:0018921.

Allele frequency attached by ClinVar (database versions not stated): gnomAD exomes 0.00006; 1000 Genomes Project 0.00060; gnomAD 0.00064 and 0.00070; TOPMed 0.00067; 1000 Genomes Project 30x 0.00094.
gnomAD v4.1: 121 of 614,724 alleles (0.02%); highest among the groups gnomAD compares: African/African-American, 0.21%; 1 homozygote.

Submissions (3):

Labcorp Genetics (formerly Invitae), Labcorp
Classification: Likely benign for Joubert syndrome; Meckel-Gruber syndrome. Last evaluated: 2026-01-14. Review status: criteria provided, single submitter. Criteria: Invitae Variant Classification Sherloc (09022015). Collection method: clinical testing. Allele origin: germline.

Blueprint Genetics
Classification: Uncertain significance. Last evaluated: 2022-04-11. Review status: criteria provided, single submitter. Criteria: ACMG Guidelines, 2015. Collection method: clinical testing. Allele origin: germline.

PreventionGenetics, part of Exact Sciences
Classification: Likely benign for RPGRIP1L-related condition. Last evaluated: 2023-06-01. Review status: no assertion criteria provided. Collection method: clinical testing. Allele origin: germline. Not counted in ClinVar's aggregate classification.
Comment: This variant is classified as likely benign based on ACMG/AMP sequence variant interpretation guidelines (Richards et al. 2015 PMID: 25741868, with internal and published modifications).

NM_015272.5(RPGRIP1L):c.3313G>A (p.Gly1105Arg)

Gene: RPGRIP1L (RPGRIP1 like; minus strand). Cytogenetic location: 16q12.2.
Variant type: single nucleotide variant.
Coding change: c.3313G>A on transcript NM_015272.5 (MANE Select); coding-DNA position 3313, G replaced by A.
Protein change: p.Gly1105Arg; replaces glycine 1105 with arginine.
Molecular consequence: missense variant. On other transcripts: intron variant (2).
Genome position (GRCh38, 1-based): chr16:53,622,338, C>T on the plus strand (G>A on the coding strand, the complement: RPGRIP1L is on the minus strand). VCF-style: chr16-53622338-C-T. GRCh37 (hg19) VCF-style: chr16-53656250-C-T.
Other names: c.3211G>A, p.Gly1071Arg (NM_001330538.2); c.3193-3130G>A (NM_001127897.4); c.3295-3130G>A (NM_001308334.3); c.3313G>A (NM_015272.4); short protein forms G1071R, G1105R.
Identifiers: ClinVar variation 1400127 (VCV001400127.9), dbSNP rs528501990, ClinGen allele CA281358361.